The following is an entry in ClinVar:

NM_025137.4(SPG11):c.5772_5781dup (p.His1928fs)

Gene: SPG11 (SPG11 vesicle trafficking associated, spatacsin; minus strand). Cytogenetic location: 15q21.1.
Variant type: Duplication.
Coding change: c.5772_5781dup on transcript NM_025137.4 (MANE Select); coding-DNA positions 5772 to 5781, 10 bases duplicated (GGAGGATCTG; older notation c.5772_5781dupGGAGGATCTG).
Protein change: p.His1928fs; shifts the reading frame from histidine 1928.
Molecular consequence: frameshift variant.
Genome position (GRCh38, 1-based): chr15:44,583,899-44,583,908, CAGATCCTCC duplicated on the plus strand (GGAGGATCTG on the coding strand, the reverse complement: SPG11 is on the minus strand). VCF-style (leftmost placement, unchanged base first): chr15-44583898-G-GCAGATCCTCC. GRCh37 (hg19) VCF-style: chr15-44876096-G-GCAGATCCTCC.
Other names: c.5772_5781dup (NM_025137.3); c.5772_5781dup, p.His1928fs (NM_001160227.2); c.5772_5781dup10 (NM_025137.3); short protein forms H1928fs.
Identifiers: ClinVar variation 423138 (VCV000423138.12), dbSNP rs779321661, ClinGen allele CA7534351.

ClinVar aggregate classification (germline): Pathogenic/Likely pathogenic. Review status: criteria provided, multiple submitters, no conflicts (2 of 4 stars). 5 submissions from 5 submitters: Pathogenic (4); Likely pathogenic (1). Last evaluated 2026-01-26.

Conditions:
SPG11-related disorder. Also called: SPG11-related condition.
Hereditary spastic paraplegia 11. Also called: Spastic Paraplegia 11; SPASTIC PARAPLEGIA, AUTOSOMAL RECESSIVE, COMPLICATED, WITH THIN CORPUS CALLOSUM; SPASTIC PARAPLEGIA, AUTOSOMAL RECESSIVE, WITH MENTAL IMPAIRMENT AND THIN CORPUS CALLOSUM; Spastic paraplegia, mental retardation and thin corpus callosum; Nakamura Osame syndrome; Autosomal recessive hereditary spastic paraplegia, mental impairment, and thin corpus callosum. Identifiers: Orphanet 2822, MedGen C1858479, MONDO:0011445, OMIM 604360.

Allele frequency attached by ClinVar (database versions not stated): TOPMed 0.00001; ExAC 0.00001; gnomAD 0.00001; gnomAD exomes 0.00001.

Submissions (5):

PreventionGenetics, part of Exact Sciences
Classification: Pathogenic for SPG11-related condition. Last evaluated: 2026-01-26. Review status: criteria provided, single submitter. Criteria: ACMG Guidelines, 2015. Collection method: clinical testing. Allele origin: germline.
Comment: The SPG11 c.5772_5781dup10 variant is predicted to result in a frameshift and premature protein termination (p.His1928Glyfs*15). This variant has not been reported in the literature. This variant is reported in 0.0062% of alleles in individuals of African descent in gnomAD and has been consistently classified as pathogenic in ClinVar (ID: 423138). Frameshift variants in SPG11 are expected to be pathogenic. This variant is interpreted as pathogenic.

GeneDx
Classification: Pathogenic. Last evaluated: 2026-01-03. Review status: criteria provided, single submitter. Criteria: GeneDx Variant Classification Process June 2021. Collection method: clinical testing. Allele origin: germline. Affected: yes.
Comment: Frameshift variant predicted to result in protein truncation or nonsense mediated decay in a gene for which loss of function is a known mechanism of disease; Not observed at significant frequency in large population cohorts (gnomAD); Has not been previously published as pathogenic or benign to our knowledge

Labcorp Genetics (formerly Invitae), Labcorp
Classification: Pathogenic for Hereditary spastic paraplegia 11. Last evaluated: 2025-10-17. Review status: criteria provided, single submitter. Criteria: Invitae Variant Classification Sherloc (09022015). Collection method: clinical testing. Allele origin: germline.
Comment: This sequence change creates a premature translational stop signal (p.His1928Glyfs*15) in the SPG11 gene. It is expected to result in an absent or disrupted protein product. Loss-of-function variants in SPG11 are known to be pathogenic (PMID: 19105190, 20110243, 22154821, 26556829). This variant is present in population databases (rs779321661, gnomAD 0.007%). This variant has not been reported in the literature in individuals affected with SPG11-related conditions. ClinVar contains an entry for this variant (Variation ID: 423138). Algorithms developed to predict the effect of sequence changes on RNA splicing suggest that this variant may disrupt the consensus splice site. For these reasons, this variant has been classified as Pathogenic.

Blueprint Genetics
Classification: Likely pathogenic for SPG11-related disorders. Last evaluated: 2022-10-21. Review status: criteria provided, single submitter. Criteria: ACMG Guidelines, 2015. Collection method: clinical testing. Allele origin: germline. Affected: yes. Observed: 1 variant allele.

Genome-Nilou Lab
Classification: Pathogenic for Hereditary spastic paraplegia 11. Review status: criteria provided, single submitter. Criteria: ACMG Guidelines, 2015. Collection method: clinical testing. Allele origin: germline.

Literature cited by the submitters: PubMed 19105190 (cited by Labcorp Genetics (formerly Invitae), Labcorp); PubMed 20110243 (cited by Labcorp Genetics (formerly Invitae), Labcorp); PubMed 22154821 (cited by Labcorp Genetics (formerly Invitae), Labcorp); PubMed 26556829 (cited by Labcorp Genetics (formerly Invitae), Labcorp).